The following is an entry in ClinVar:

ClinVar aggregate classification (germline): Uncertain significance (1 of 4 stars; one submission).

Conditions:
MYH9-related disorder. Identifiers: MedGen C1854520.

Submission:

PreventionGenetics, part of Exact Sciences
Classification: Uncertain significance for MYH9-related condition. Last evaluated: 2025-03-22. Review status: criteria provided, single submitter. Criteria: ACMG Guidelines, 2015. Collection method: clinical testing. Allele origin: germline.
Comment: The MYH9 c.3536A>T variant is predicted to result in the amino acid substitution p.Glu1179Val. To our knowledge, this variant has not been reported in the literature or in a large population database (gnomAD), indicating this variant is rare. At this time, the clinical significance of this variant is uncertain due to the absence of conclusive functional and genetic evidence.

NM_002473.6(MYH9):c.3536A>T (p.Glu1179Val)

Gene: MYH9 (myosin heavy chain 9; minus strand). Cytogenetic location: 22q12.3.
Variant type: single nucleotide variant.
Coding change: c.3536A>T on transcript NM_002473.6 (MANE Select); coding-DNA position 3536, A replaced by T.
Protein change: p.Glu1179Val; replaces glutamic acid 1179 with valine.
Molecular consequence: missense variant.
Genome position (GRCh38, 1-based): chr22:36,295,026, T>A on the plus strand (A>T on the coding strand, the complement: MYH9 is on the minus strand). VCF-style: chr22-36295026-T-A. GRCh37 (hg19) VCF-style: chr22-36691072-T-A.
Other names: short protein forms E1179V.
Identifiers: ClinVar variation 4998326 (VCV004998326.1).